The following is an entry in ClinVar:

ClinVar aggregate classification (germline): Uncertain significance (1 of 4 stars; one submission).

Submission:

Labcorp Genetics (formerly Invitae), Labcorp
Classification: Uncertain significance. Last evaluated: 2025-06-10. Review status: criteria provided, single submitter. Criteria: Invitae Variant Classification Sherloc (09022015). Collection method: clinical testing. Allele origin: germline.
Comment: This variant, c.1463_1465dup, is a complex sequence change that results in the insertion of 1 amino acid(s) in the ERCC6L2 protein (p.Arg488dup). This variant is present in population databases (no rsID available, gnomAD 0.0009%). This variant has not been reported in the literature in individuals affected with ERCC6L2-related conditions. ClinVar contains an entry for this variant (Variation ID: 1408703). Experimental studies and prediction algorithms are not available or were not evaluated, and the functional significance of this variant is currently unknown. In summary, the available evidence is currently insufficient to determine the role of this variant in disease. Therefore, it has been classified as a Variant of Uncertain Significance.

NM_020207.7(ERCC6L2):c.1430_1432dup (p.Arg477dup)

Gene: ERCC6L2 (ERCC excision repair 6 like 2; plus strand). Cytogenetic location: 9q22.32.
Variant type: Duplication.
Coding change: c.1430_1432dup on transcript NM_020207.7 (MANE Select); coding-DNA positions 1430 to 1432, 3 bases duplicated (GGA; older notation c.1430_1432dupGGA).
Protein change: p.Arg477dup; duplicates arginine 477.
Molecular consequence: inframe insertion. On other transcripts: non-coding transcript variant (1).
Genome position (GRCh38, 1-based): chr9:95,923,276-95,923,278, GGA duplicated; duplicating any 3 consecutive bases within chr9:95,923,275-95,923,278 gives the same sequence; the c. name uses the placement nearest the transcript's 3' end. VCF-style (leftmost placement, unchanged base first): chr9-95923274-A-AAGG. GRCh37 (hg19) VCF-style: chr9-98685556-A-AAGG.
Other names: c.1430_1432dup, p.Arg477dup (NM_001010895.4, NM_001375291.1, NM_001375292.1 and 2 more transcripts).
Identifiers: ClinVar variation 1408703 (VCV001408703.6), dbSNP rs1463442101, ClinGen allele CA466132264.